The following is an entry in ClinVar:

NM_000944.5(PPP3CA):c.901T>G (p.Ser301Ala)

Gene: PPP3CA (protein phosphatase 3 catalytic subunit alpha; minus strand). Cytogenetic location: 4q24.
Variant type: single nucleotide variant.
Coding change: c.901T>G on transcript NM_000944.5 (MANE Select); coding-DNA position 901, T replaced by G.
Protein change: p.Ser301Ala; replaces serine 301 with alanine.
Molecular consequence: missense variant.
Genome position (GRCh38, 1-based): chr4:101,080,586, A>C on the plus strand (T>G on the coding strand, the complement: PPP3CA is on the minus strand). VCF-style: chr4-101080586-A-C. GRCh37 (hg19) VCF-style: chr4-102001743-A-C.
Other names: c.901T>G, p.Ser301Ala (NM_001130691.2, NM_001130692.2); short protein forms S301A.
Identifiers: ClinVar variation 2753512 (VCV002753512.3), dbSNP rs2476297716, ClinGen allele CA357949637.

ClinVar aggregate classification (germline): Uncertain significance (1 of 4 stars; one submission).

Submission:

Labcorp Genetics (formerly Invitae), Labcorp
Classification: Uncertain significance. Last evaluated: 2024-09-05. Review status: criteria provided, single submitter. Criteria: Invitae Variant Classification Sherloc (09022015). Collection method: clinical testing. Allele origin: germline.
Comment: This sequence change replaces serine, which is neutral and polar, with alanine, which is neutral and non-polar, at codon 301 of the PPP3CA protein (p.Ser301Ala). This variant is not present in population databases (gnomAD no frequency). This variant has not been reported in the literature in individuals affected with PPP3CA-related conditions. Invitae Evidence Modeling of protein sequence and biophysical properties (such as structural, functional, and spatial information, amino acid conservation, physicochemical variation, residue mobility, and thermodynamic stability) indicates that this missense variant is not expected to disrupt PPP3CA protein function with a negative predictive value of 80%. In summary, the available evidence is currently insufficient to determine the role of this variant in disease. Therefore, it has been classified as a Variant of Uncertain Significance.